The following is an entry in ClinVar:

ClinVar aggregate classification (germline): Pathogenic. Review status: reviewed by expert panel (3 of 4 stars). 2 submissions from 2 submitters: Pathogenic (1). 1 of the submissions does not count toward it. Last evaluated 2016-10-18.

Conditions:
Breast-ovarian cancer, familial, susceptibility to, 2 (BROVCA2). Also called: BRCA2 Hereditary Breast and Ovarian Cancer. Identifiers: Orphanet 145, MedGen C2675520, MONDO:0012933, OMIM 612555. Disease mechanism: loss of function.

Submissions (2):

Evidence-based Network for the Interpretation of Germline Mutant Alleles (ENIGMA)
Classification: Pathogenic for Breast-ovarian cancer, familial, susceptibility to, 2. Last evaluated: 2016-10-18. Review status: reviewed by expert panel. Criteria: ENIGMA BRCA1/2 Classification Criteria (2015). Collection method: curation. Allele origin: germline.
Comment: Variant allele predicted to encode a truncated non-functional protein.

Consortium of Investigators of Modifiers of BRCA1/2 (CIMBA), c/o University of Cambridge
Classification: Pathogenic for Breast-ovarian cancer, familial, susceptibility to, 2. Last evaluated: 2015-10-02. Review status: criteria provided, single submitter. Criteria: CIMBA Mutation Classification guidelines May 2016. Collection method: clinical testing. Allele origin: germline. Not counted in ClinVar's aggregate classification.

NM_000059.4(BRCA2):c.1739_1754del (p.Ile580fs)

Gene: BRCA2 (BRCA2 DNA repair associated; plus strand). Cytogenetic location: 13q13.1.
Variant type: Deletion.
Coding change: c.1739_1754del on transcript NM_000059.4 (MANE Select); coding-DNA positions 1739 to 1754, 16 bases deleted (TATCCACTTTGAAAAA).
Protein change: p.Ile580fs; shifts the reading frame from isoleucine 580.
Molecular consequence: frameshift variant.
Genome position (GRCh38, 1-based): chr13:32,333,217-32,333,232, TATCCACTTTGAAAAA deleted; deleting any 16 consecutive bases within chr13:32,333,215-32,333,232 gives the same sequence; the c. name uses the placement nearest the transcript's 3' end. VCF-style (leftmost placement, unchanged base first): chr13-32333214-TAATATCCACTTTGAAA-T. GRCh37 (hg19) VCF-style: chr13-32907351-TAATATCCACTTTGAAA-T.
Other names: 1967del16; short protein forms I580fs.
Identifiers: ClinVar variation 266656 (VCV000266656.5), dbSNP rs886040385, ClinGen allele CA10589115.